The following is an entry in ClinVar:

ClinVar aggregate classification (germline): Uncertain significance. Review status: criteria provided, multiple submitters, no conflicts (2 of 4 stars). 4 submissions from 4 submitters: Uncertain significance (4). Last evaluated 2025-03-25.

Conditions:
Coenzyme Q10 deficiency, primary, 1. Also called: UBIQUINONE DEFICIENCY 1; COENZYME Q DEFICIENCY 1; CoQ DEFICIENCY 1. Identifiers: Orphanet 255249, MedGen C3551954, MONDO:0011829, OMIM 607426.
COQ2-related disorder. Also called: COQ2-related condition.

Allele frequency attached by ClinVar (database versions not stated): gnomAD 0.00005; TOPMed 0.00005.
gnomAD v4.1: 18 of 1,609,496 alleles (0.0011%); highest among the groups gnomAD compares: Admixed American, 0.0034%; no homozygotes.

Submissions (5):

PreventionGenetics, part of Exact Sciences
Classification: Uncertain significance for COQ2-related condition. Last evaluated: 2025-03-25. Review status: criteria provided, single submitter. Criteria: ACMG Guidelines, 2015. Collection method: clinical testing. Allele origin: germline.
Comment: The COQ2 c.692G>T variant is predicted to result in the amino acid substitution p.Ser231Ile. This variant was reported in the compound heterozygous state in an individual with coenzyme Q10 deficiency (Paredes-Fuentes et al. 2020. PubMed ID: 33141909). This variant is reported in 0.0060% of alleles in individuals of Latino descent in gnomAD. At this time, the clinical significance of this variant is uncertain due to the absence of conclusive functional and genetic evidence.

MVZ Medizinische Genetik Mainz
Classification: Uncertain significance for Coenzyme Q10 deficiency, primary, 1. Last evaluated: 2024-06-25. Review status: criteria provided, single submitter. Criteria: UK Practice Guidelines For Variant Classification V4 01 2020. Collection method: clinical testing. Allele origin: germline. Inheritance: Autosomal recessive inheritance. Affected: yes. Observed: 1 variant allele.
Comment: ACMG Criteria: PP3_MOD,PM2_SUP,PM3_SUP; Compound Heterozygote

Labcorp Genetics (formerly Invitae), Labcorp
Classification: Uncertain significance. Last evaluated: 2022-08-21. Review status: criteria provided, single submitter. Criteria: Invitae Variant Classification Sherloc (09022015). Collection method: clinical testing. Allele origin: germline.
Comment: This sequence change replaces serine, which is neutral and polar, with isoleucine, which is neutral and non-polar, at codon 231 of the COQ2 protein (p.Ser231Ile). This variant also falls at the last nucleotide of exon 3, which is part of the consensus splice site for this exon. This variant is present in population databases (rs757009353, gnomAD 0.006%). This missense change has been observed in individual(s) with coenzyme Q10 deficiency (PMID: 33141909). ClinVar contains an entry for this variant (Variation ID: 1432602). Algorithms developed to predict the effect of missense changes on protein structure and function are either unavailable or do not agree on the potential impact of this missense change (SIFT: "Deleterious"; PolyPhen-2: "Probably Damaging"; Align-GVGD: "Class C15"). Variants that disrupt the consensus splice site are a relatively common cause of aberrant splicing (PMID: 17576681, 9536098). Algorithms developed to predict the effect of sequence changes on RNA splicing suggest that this variant may disrupt the consensus splice site. In summary, the available evidence is currently insufficient to determine the role of this variant in disease. Therefore, it has been classified as a Variant of Uncertain Significance.

Blueprint Genetics
Classification: Uncertain significance. Last evaluated: 2022-08-09. Review status: criteria provided, single submitter. Criteria: ACMG Guidelines, 2015. Collection method: clinical testing. Allele origin: germline.

Dr. Peter K. Rogan Lab, Western University
No classification provided (evidence only). Condition: Ovarian serous cystadenocarcinoma. Review status: no classification provided. Collection method: in vitro. Allele origin: not applicable. Functional consequence: retained intron. Not counted in ClinVar's aggregate classification.

Literature cited by the submitters: PubMed 33141909 (cited by Labcorp Genetics (formerly Invitae), Labcorp); PubMed 17576681 (cited by Labcorp Genetics (formerly Invitae), Labcorp); PubMed 9536098 (cited by Labcorp Genetics (formerly Invitae), Labcorp).

NM_001358921.2(COQ2):c.542G>T (p.Ser181Ile)

Gene: COQ2 (coenzyme Q2, polyprenyltransferase; minus strand). Cytogenetic location: 4q21.23.
Variant type: single nucleotide variant.
Coding change: c.542G>T on transcript NM_001358921.2 (MANE Select); coding-DNA position 542, G replaced by T.
Protein change: p.Ser181Ile; replaces serine 181 with isoleucine.
Molecular consequence: missense variant.
Genome position (GRCh38, 1-based): chr4:83,273,496, C>A on the plus strand (G>T on the coding strand, the complement: COQ2 is on the minus strand). VCF-style: chr4-83273496-C-A. GRCh37 (hg19) VCF-style: chr4-84194649-C-A.
Other names: c.692G>T, p.Ser231Ile (NM_015697.9); c.692G>T (NM_015697.7); short protein forms S231I, S181I.
Identifiers: ClinVar variation 1432602 (VCV001432602.7), dbSNP rs757009353, ClinGen allele CA2988580.
Genomic context (GRCh38, chr4:83,273,496, plus strand): 5'-CCTATTTTCTCCATTTCAAAGGAGAGATTTTATACATGATGTGGAAAACGTTTAATATAC[C>A]TGTAGTAATTTAGACACAGAAGAACACCCAGTGCCAGGGTTAGCTGTCCCCCAAGAAAAA-3'
Protein context (NP_001345850.1, residues 171-191): LGVLLCLNYY[Ser181Ile]IALGAGSLLL